The following is an entry in ClinVar:

NM_022124.6(CDH23):c.1162del (p.Val388fs)

Gene: CDH23 (cadherin related 23; plus strand). Cytogenetic location: 10q22.1.
Variant type: Deletion.
Coding change: c.1162del on transcript NM_022124.6 (MANE Select); coding-DNA position 1162, one base deleted (G; older notation c.1162delG).
Protein change: p.Val388fs; shifts the reading frame from valine 388.
Molecular consequence: frameshift variant.
Genome position (GRCh38, 1-based): chr10:71,645,852, G deleted; the last of 2 consecutive G bases (chr10:71,645,851-71,645,852); deleting either gives the same sequence. VCF-style (leftmost placement, unchanged base first): chr10-71645850-AG-A. GRCh37 (hg19) VCF-style: chr10-73405607-AG-A.
Other names: c.1162del, p.Val388fs (NM_001171930.2, NM_001171931.2, NM_052836.4); short protein forms V388fs.
Identifiers: ClinVar variation 1408670 (VCV001408670.6), dbSNP rs2132594712, ClinGen allele CA2573145357.

ClinVar aggregate classification (germline): Pathogenic (1 of 4 stars; one submission).

Submission:

Labcorp Genetics (formerly Invitae), Labcorp
Classification: Pathogenic. Last evaluated: 2021-01-12. Review status: criteria provided, single submitter. Criteria: Invitae Variant Classification Sherloc (09022015). Collection method: clinical testing. Allele origin: germline.
Comment: This variant has not been reported in the literature in individuals with CDH23-related conditions. For these reasons, this variant has been classified as Pathogenic. This sequence change creates a premature translational stop signal (p.Val388Cysfs*59) in the CDH23 gene. It is expected to result in an absent or disrupted protein product. Loss-of-function variants in CDH23 are known to be pathogenic (PMID: 11138009, 21940737). This variant is not present in population databases (ExAC no frequency).

Literature cited by the submitters: PubMed 11138009; PubMed 21940737.